The following is an entry in ClinVar:

NC_000016.9:g.(?_2134307)_(2137196_?)del

Gene: TSC2 (TSC complex subunit 2; plus strand). Cytogenetic location: 16p13.3.
Variant type: Deletion.
Identifiers: ClinVar variation 1360332 (VCV001360332.4).

ClinVar aggregate classification (germline): Pathogenic (1 of 4 stars; one submission).

Conditions:
Tuberous sclerosis 2 (TSC2). Identifiers: Orphanet 805, MedGen C1860707, MONDO:0013199, OMIM 613254.

Submission:

Labcorp Genetics (formerly Invitae), Labcorp
Classification: Pathogenic for Tuberous sclerosis 2. Last evaluated: 2021-09-14. Review status: criteria provided, single submitter. Criteria: Invitae Variant Classification Sherloc (09022015). Collection method: clinical testing. Allele origin: germline.
Comment: For these reasons, this variant has been classified as Pathogenic. This variant disrupts a region of the TSC2 protein in which other variant(s) (p.Pro1497Leu) have been determined to be pathogenic (PMID: 24271014, 28643795, 31655562; Invitae). This suggests that this is a clinically significant region of the protein, and that variants that disrupt it are likely to be disease-causing. This variant has not been reported in the literature in individuals affected with TSC2-related conditions. This variant results in the deletion of part of exon 34 and exons 35-38 (c.4087_4989+327del) of the TSC2 gene. It is expected to disrupt RNA splicing. Variants that disrupt the donor or acceptor splice site typically lead to a loss of protein function (PMID: 16199547), and loss-of-function variants in TSC2 are known to be pathogenic (PMID: 10205261, 17304050).

Literature cited by the submitters: PubMed 24271014; PubMed 28643795; PubMed 31655562; PubMed 16199547; PubMed 10205261; PubMed 17304050.